The following is an entry in ClinVar:

ClinVar aggregate classification (germline): Uncertain significance (1 of 4 stars; one submission).

gnomAD v4.1: 4 of 1,614,000 alleles (0.00025%); no homozygotes.

Submission:

Ambry Genetics
Classification: Uncertain significance. Last evaluated: 2024-10-19. Review status: criteria provided, single submitter. Criteria: Ambry Variant Classification Scheme 2023. Collection method: clinical testing. Allele origin: germline.
Comment: The p.C940G variant (also known as c.2818T>G), located in coding exon 16 of the PKP4 gene, results from a T to G substitution at nucleotide position 2818. The cysteine at codon 940 is replaced by glycine, an amino acid with highly dissimilar properties. This amino acid position is conserved. In addition, the in silico prediction for this alteration is inconclusive. Based on the available evidence, the clinical significance of this variant remains unclear.

NM_003628.6(PKP4):c.2818T>G (p.Cys940Gly)

Genes: PKP4 (plakophilin 4; plus strand), PKP4-AS1 (PKP4 antisense RNA 1; minus strand). Cytogenetic location: 2q24.1.
Variant type: single nucleotide variant.
Coding change: c.2818T>G on transcript NM_003628.6 (MANE Select); coding-DNA position 2818, T replaced by G.
Protein change: p.Cys940Gly; replaces cysteine 940 with glycine.
Molecular consequence: missense variant.
Genome position (GRCh38, 1-based): chr2:158,669,809, T>G. VCF-style: chr2-158669809-T-G. GRCh37 (hg19) VCF-style: chr2-159526321-T-G.
Other names: c.2818T>G, p.Cys940Gly (NM_001005476.4, NM_001377218.1, NM_001377225.1); c.2815T>G, p.Cys939Gly (NM_001304969.3, NM_001377219.1, NM_001377220.1 and 2 more transcripts); c.1789T>G, p.Cys597Gly (NM_001304970.3); c.2812T>G, p.Cys938Gly (NM_001377222.1, NM_001377223.1); c.2809T>G, p.Cys937Gly (NM_001377224.1); short protein forms C938G, C597G, C937G, C939G, C940G.
Identifiers: ClinVar variation 3419582 (VCV003419582.1).